The following is an entry in ClinVar:

NM_152564.5(VPS13B):c.754_755del (p.Val252fs)

Gene: VPS13B (vacuolar protein sorting 13 homolog B; plus strand). Cytogenetic location: 8q22.2.
Variant type: Deletion.
Coding change: c.754_755del on transcript NM_152564.5 (MANE Select); coding-DNA positions 754 to 755, 2 bases deleted (GT; older notation c.754_755delGT).
Protein change: p.Val252fs; shifts the reading frame from valine 252.
Molecular consequence: frameshift variant. On other transcripts: non-coding transcript variant (1).
Genome position (GRCh38, 1-based): chr8:99,111,271-99,111,272, GT deleted; deleting any 2 consecutive bases within chr8:99,111,270-99,111,272 gives the same sequence; the c. name uses the placement nearest the transcript's 3' end. VCF-style (leftmost placement, unchanged base first): chr8-99111269-CTG-C. GRCh37 (hg19) VCF-style: chr8-100123497-CTG-C.
Other names: c.754_755del, p.Val252fs (NM_015243.3, NM_017890.5, NM_181661.3); short protein forms V252fs.
Identifiers: ClinVar variation 4815974 (VCV004815974.1).

ClinVar aggregate classification (germline): Likely pathogenic (1 of 4 stars; one submission).

Conditions:
Cohen syndrome (COH1). Also called: PEPPER SYNDROME; Cutis verticis gyrata, retinitis pigmentosa, and sensorineural deafness. Identifiers: Orphanet 193, MedGen C0265223, MONDO:0008999, OMIM 216550.

Submission:

Natera, Inc.
Classification: Likely pathogenic for Cohen syndrome. Last evaluated: 2024-02-27. Review status: criteria provided, single submitter. Criteria: Natera Variant Classification Schema (03/2026). Collection method: clinical testing. Allele origin: germline.
Comment: The c.754_755delGT variant in VPS13B is a frameshift variant predicted to shift the reading frame beginning at codon 252 and leads to a stop codon 2 codons downstream. This variant is expected to result in nonsense mediated decay, truncation, or a dysfunctional protein product. This variant is rare in the general population with a frequency below the threshold expected for the associated phenotype(s). Given the available evidence, this variant is classified as Likely Pathogenic.